The following is an entry in ClinVar:

NM_000059.4(BRCA2):c.9025dup (p.Tyr3009fs)

Gene: BRCA2 (BRCA2 DNA repair associated; plus strand). Cytogenetic location: 13q13.1.
Variant type: Duplication.
Coding change: c.9025dup on transcript NM_000059.4 (MANE Select); coding-DNA position 9025, one base duplicated (T; older notation c.9025dupT).
Protein change: p.Tyr3009fs; shifts the reading frame from tyrosine 3009.
Molecular consequence: frameshift variant.
Genome position (GRCh38, 1-based): chr13:32,379,821, T duplicated; the last of 3 consecutive T bases (chr13:32,379,819-32,379,821); duplicating any one gives the same sequence. VCF-style (leftmost placement, unchanged base first): chr13-32379818-A-AT. GRCh37 (hg19) VCF-style: chr13-32953955-A-AT.
Other names: 9253_9254dupT; short protein forms Y3009fs.
Identifiers: ClinVar variation 267131 (VCV000267131.11), dbSNP rs786203575, ClinGen allele CA10589540.

ClinVar aggregate classification (germline): Pathogenic. Review status: reviewed by expert panel (3 of 4 stars). 5 submissions from 4 submitters: Pathogenic (1). 4 of the submissions do not count toward it. Last evaluated 2016-10-18.

Conditions:
Breast-ovarian cancer, familial, susceptibility to, 2 (BROVCA2). Also called: BRCA2 Hereditary Breast and Ovarian Cancer. Identifiers: Orphanet 145, MedGen C2675520, MONDO:0012933, OMIM 612555. Disease mechanism: loss of function.
Familial cancer of breast. Also called: hereditary breast carcinoma; BREAST CANCER, FAMILIAL; Hereditary breast cancer. Identifiers: Orphanet 227535, MedGen C0346153, MONDO:0016419, OMIM 114480. Disease mechanism: loss of function.

Submissions (5):

Evidence-based Network for the Interpretation of Germline Mutant Alleles (ENIGMA)
Classification: Pathogenic for Breast-ovarian cancer, familial, susceptibility to, 2. Last evaluated: 2016-10-18. Review status: reviewed by expert panel. Criteria: ENIGMA BRCA1/2 Classification Criteria (2015). Collection method: curation. Allele origin: germline.
Comment: Variant allele predicted to encode a truncated non-functional protein.

Institute of Human Genetics, University of Leipzig Medical Center
Classification: Pathogenic for Familial cancer of breast. Last evaluated: 2026-02-16. Review status: criteria provided, single submitter. Criteria: ACMG Guidelines, 2015. Collection method: clinical testing. Allele origin: unknown. Inheritance: Autosomal dominant inheritance. Affected: yes. Not counted in ClinVar's aggregate classification.
Comment: Criteria applied: PVS1,PM5_STR,PM2_SUP

Institute of Human Genetics, University of Leipzig Medical Center
Classification: Pathogenic for Breast-ovarian cancer, familial, susceptibility to, 2. Last evaluated: 2022-05-06. Review status: criteria provided, single submitter. Criteria: ACMG Guidelines, 2015. Collection method: clinical testing. Allele origin: unknown. Affected: yes. Not counted in ClinVar's aggregate classification.
Comment: _x000D_ Criteria applied: PVS1, PS4_MOD, PM2_SUP

Institute for Clinical Genetics, University Hospital TU Dresden, University Hospital TU Dresden
Classification: Pathogenic. Last evaluated: 2021-11-03. Review status: criteria provided, single submitter. Criteria: ACMG Guidelines, 2015. Collection method: clinical testing. Allele origin: germline. Not counted in ClinVar's aggregate classification.

Consortium of Investigators of Modifiers of BRCA1/2 (CIMBA), c/o University of Cambridge
Classification: Pathogenic for Breast-ovarian cancer, familial, susceptibility to, 2. Last evaluated: 2015-10-02. Review status: criteria provided, single submitter. Criteria: CIMBA Mutation Classification guidelines May 2016. Collection method: clinical testing. Allele origin: germline. Not counted in ClinVar's aggregate classification.